The following is an entry in ClinVar:

ClinVar aggregate classification (germline): Conflicting classifications of pathogenicity. Review status: criteria provided, conflicting classifications (1 of 4 stars). 5 submissions from 5 submitters: Likely pathogenic (3); Uncertain significance (2). Last evaluated 2026-09-15.

Conditions:
Polymicrogyria with or without vascular-type Ehlers-Danlos syndrome. Identifiers: Orphanet 636941, MedGen C5193040, MONDO:0032688, OMIM 618343.
Ehlers-Danlos syndrome, type 4 (EDSVASC). Also called: Ehlers-Danlos syndrome vascular type; Ehlers Danlos syndrome, ecchymotic type; Ehlers Danlos syndrome, arterial type; Ehlers Danlos syndrome, Sack-Barabas type; Ehlers-Danlos Syndrome Type IV. Identifiers: Orphanet 286, MedGen C0268338, MONDO:0017314, OMIM 130050.
Familial thoracic aortic aneurysm and aortic dissection (TAAD). Also called: Thoracic aortic aneurysms and dissections. Identifiers: Orphanet 91387, MedGen C4707243, MONDO:0019625.

Allele frequency attached by ClinVar (database versions not stated): TOPMed below 0.00001.

Submissions (5):

GeneDx
Classification: Likely pathogenic. Last evaluated: 2026-09-15. Review status: criteria provided, single submitter. Criteria: GeneDx Variant Classification Process June 2021. Collection method: clinical testing. Allele origin: germline.
Comment: Reported in an individual with clinical features of vEDS (PMID: 30999998, 30919682); Not observed at significant frequency in large population cohorts (gnomAD); Intronic variant directly or indirectly altering the +5 splice site in a gene for which loss of function is a known mechanism of disease, and splice predictors support a deleterious effect; This variant is associated with the following publications: (PMID: 30919682, 30999998, 35571021, 42128748)

Labcorp Genetics (formerly Invitae), Labcorp
Classification: Likely pathogenic for Ehlers-Danlos syndrome, type 4. Last evaluated: 2025-12-30. Review status: criteria provided, single submitter. Criteria: Invitae Variant Classification Sherloc (09022015). Collection method: clinical testing. Allele origin: germline.
Comment: This sequence change falls in intron 5 of the COL3A1 gene. It does not directly change the encoded amino acid sequence of the COL3A1 protein. It affects a nucleotide within the consensus splice site. This variant is not present in population databases (gnomAD no frequency). This variant has been observed in individuals with clinical features of vascular Ehlers-Danlos syndrome (PMID: 30999998, 35571021; internal data). ClinVar contains an entry for this variant (Variation ID: 263523). Variants that disrupt the consensus splice site are a relatively common cause of aberrant splicing (PMID: 17576681, 9536098). Algorithms developed to predict the effect of sequence changes on RNA splicing suggest that this variant may disrupt the consensus splice site. In summary, the currently available evidence indicates that the variant is pathogenic, but additional data are needed to prove that conclusively. Therefore, this variant has been classified as Likely Pathogenic.

Ambry Genetics
Classification: Likely pathogenic for Familial thoracic aortic aneurysm and aortic dissection. Last evaluated: 2024-12-02. Review status: criteria provided, single submitter. Criteria: Ambry Variant Classification Scheme 2023. Collection method: clinical testing. Allele origin: germline.
Comment: The c.528+5G>A intronic variant results from a G to A substitution 5 nucleotides after coding exon 5 in the COL3A1 gene. This variant was reported in individual(s) with features consistent with vascular Ehlers-Danlos syndrome (Henneton P et al. Circ Genom Precis Med, 2019 03;12:e001996; external communication; Ambry internal data). This nucleotide position is highly conserved in available vertebrate species. In silico splice site analysis predicts that this alteration will weaken the native splice donor site and will result in the creation or strengthening of a novel splice donor site. This variant is considered to be rare based on population cohorts in the Genome Aggregation Database (gnomAD). Based on the majority of available evidence to date, this variant is likely to be pathogenic.

CeGaT Center for Human Genetics Tuebingen
Classification: Uncertain significance. Last evaluated: 2017-05-01. Review status: criteria provided, single submitter. Criteria: CeGaT Center For Human Genetics Tuebingen Variant Classification Criteria Version 2. Collection method: clinical testing. Allele origin: germline. Affected: yes. Observed: 1 variant allele.

Women's Health and Genetics/Laboratory Corporation of America, LabCorp
Classification: Uncertain significance. Last evaluated: 2016-12-25. Review status: criteria provided, single submitter. Criteria: LabCorp Variant Classification Summary - May 2015. Collection method: clinical testing. Allele origin: germline.
Comment: Variant summary: c.528+5G>A in COL3A1 gene is an intronic change that involves a highly conserved nucleotide. 5/5 programs in Alamut predict that this variant eliminates the donor splice site, however no functional studies supporting this notion were published at the time of evaluation. The variant is absent from control population dataset of ExAC. The variant of interest has not, to our knowledge, been reported in affected individuals in published reports but is cited as VUS by a reputable database/clinical laboratory. Considering all, due to the lack of sufficient clinical information on carriers and absence of functional studies the variant has been currently classified as a variant of uncertain significance until additional information becomes available.

Literature cited by the submitters: PubMed 30999998 (cited by Labcorp Genetics (formerly Invitae), Labcorp and Ambry Genetics); PubMed 35571021 (cited by Labcorp Genetics (formerly Invitae), Labcorp); PubMed 17576681 (cited by Labcorp Genetics (formerly Invitae), Labcorp); PubMed 9536098 (cited by Labcorp Genetics (formerly Invitae), Labcorp); PubMed 30919682 (cited by Ambry Genetics).

NM_000090.4(COL3A1):c.528+5G>A

Gene: COL3A1 (collagen type III alpha 1 chain; plus strand). Cytogenetic location: 2q32.2.
Variant type: single nucleotide variant.
Coding change: c.528+5G>A on transcript NM_000090.4 (MANE Select); 5 bases into the intron after coding-DNA position 528, G replaced by A.
Molecular consequence: intron variant.
Genome position (GRCh38, 1-based): chr2:188,987,144, G>A. VCF-style: chr2-188987144-G-A. GRCh37 (hg19) VCF-style: chr2-189851870-G-A.
Identifiers: ClinVar variation 263523 (VCV000263523.60), dbSNP rs794728038, ClinGen allele CA10587525.
Genomic context (GRCh38, chr2:188,987,144, plus strand): 5'-ATGATGTCAAGTCTGGAGTAGCAGTAGGAGGACTCGCAGGCTATCCTGGACCAGCTGTAC[G>A]TACAAATGTTTCTCAGCATTTTGGAGCTTTATTATCTTTCTGGTTTGTAAAATCTTGAAT-3'